The following is an entry in ClinVar:

ClinVar aggregate classification (germline): Benign. Review status: criteria provided, multiple submitters, no conflicts (2 of 4 stars). 4 submissions from 4 submitters: Benign (4). Last evaluated 2026-02-04.

Conditions:
Methylmalonic acidemia with homocystinuria, type cblJ (MAHCJ). Also called: METHYLMALONIC ACIDURIA AND HOMOCYSTINURIA, cblJ TYPE. Identifiers: Orphanet 369955, MedGen C3553915, MONDO:0013925, OMIM 614857.

Allele frequency attached by ClinVar (database versions not stated): gnomAD exomes 0.01593 and 0.00633; ExAC 0.02694; gnomAD 0.06541 and 0.06981; 1000 Genomes Project 0.07248; TOPMed 0.07331; ESP Exome Variant Server 0.07459; 1000 Genomes Project 30x 0.07979.
gnomAD v4.1: 19,585 of 1,608,210 alleles (1.2%); highest among the groups gnomAD compares: African/African-American, 23%; 2,012 homozygotes.

Submissions (4):

Labcorp Genetics (formerly Invitae), Labcorp
Classification: Benign for Methylmalonic acidemia with homocystinuria, type cblJ. Last evaluated: 2026-02-04. Review status: criteria provided, single submitter. Criteria: Invitae Variant Classification Sherloc (09022015). Collection method: clinical testing. Allele origin: germline.

Mayo Clinic Laboratories, Mayo Clinic
Classification: Benign. Last evaluated: 2022-07-22. Review status: criteria provided, single submitter. Criteria: ACMG Guidelines, 2015. Collection method: clinical testing. Allele origin: germline. Observed: 5 variant alleles.

GeneDx
Classification: Benign. Last evaluated: 2016-02-23. Review status: criteria provided, single submitter. Criteria: GeneDx Variant Classification (06012015). Collection method: clinical testing. Allele origin: germline. Affected: yes.
Comment: This variant is considered likely benign or benign based on one or more of the following criteria: it is a conservative change, it occurs at a poorly conserved position in the protein, it is predicted to be benign by multiple in silico algorithms, and/or has population frequency not consistent with disease.

Breakthrough Genomics
Classification: Benign. Review status: criteria provided, single submitter. Criteria: ACMG Guidelines, 2015. Collection method: not provided. Allele origin: germline. Inheritance: Autosomal recessive inheritance. Affected: yes.

NM_005050.4(ABCD4):c.1636+10C>T

Gene: ABCD4 (ATP binding cassette subfamily D member 4; minus strand). Cytogenetic location: 14q24.3.
Variant type: single nucleotide variant.
Coding change: c.1636+10C>T on transcript NM_005050.4 (MANE Select); 10 bases into the intron after coding-DNA position 1636, C replaced by T.
Molecular consequence: intron variant.
Genome position (GRCh38, 1-based): chr14:74,287,800, G>A on the plus strand (C>T on the coding strand, the complement: ABCD4 is on the minus strand). VCF-style: chr14-74287800-G-A. GRCh37 (hg19) VCF-style: chr14-74754503-G-A.
Other names: p.?; c.847+10C>T (NM_001353607.2, NM_001353604.2, NM_001353603.2 and 5 more transcripts); c.1159+10C>T (NM_001353598.2, NM_001353601.2, NM_001353600.2 and 2 more transcripts); c.1324+10C>T (NM_001353594.2); c.1375+10C>T (NM_001353593.2); c.1171+10C>T (NM_001353597.2); c.1222+10C>T (NM_001353596.2, NM_001353595.2); c.1510+10C>T (NM_001353591.2, NM_001353592.2); and 2 more.
Identifiers: ClinVar variation 380506 (VCV000380506.12), dbSNP rs74061801, ClinGen allele CA7266668.
Genomic context (GRCh38, chr14:74,287,800, plus strand): 5'-TGAACACATGCTGCTACACCCGTGAGTGCAGACAGCGCATGGCATGTGCAGCCACAAGGC[G>A]AGACCTCACCTGCGTACTTCGGCTGCAGGTAGAAGAGTCGGGCAAAGGAGAGCCGTTGCA-3'